The following is an entry in ClinVar:

ClinVar aggregate classification (germline): Likely benign (1 of 4 stars; one submission).

Conditions:
PKHD1-related disorder. Also called: PKHD1-related condition.

gnomAD v4.1: 4 of 1,614,098 alleles (0.00025%); highest among the groups gnomAD compares: Admixed American, 0.005%; no homozygotes.

Submission:

PreventionGenetics, part of Exact Sciences
Classification: Likely benign for PKHD1-related condition. Last evaluated: 2026-03-24. Review status: criteria provided, single submitter. Criteria: ACMG Guidelines, 2015. Collection method: clinical testing. Allele origin: germline.
Comment: This variant is classified as likely benign based on ACMG/AMP sequence variant interpretation guidelines (Richards et al. 2015 PMID: 25741868, with internal and published modifications).

NM_138694.4(PKHD1):c.2301A>T (p.Thr767=)

Gene: PKHD1 (PKHD1 ciliary IPT domain containing fibrocystin/polyductin; minus strand). Cytogenetic location: 6p12.2.
Variant type: single nucleotide variant.
Coding change: c.2301A>T on transcript NM_138694.4 (MANE Select); coding-DNA position 2301, A replaced by T.
Protein change: p.Thr767=; no amino-acid change (threonine 767 retained).
Molecular consequence: synonymous variant.
Genome position (GRCh38, 1-based): chr6:52,048,598, T>A on the plus strand (A>T on the coding strand, the complement: PKHD1 is on the minus strand). VCF-style: chr6-52048598-T-A. GRCh37 (hg19) VCF-style: chr6-51913396-T-A.
Other names: c.2301A>T, p.Thr767= (NM_170724.3).
Identifiers: ClinVar variation 4994108 (VCV004994108.1).
Genomic context (GRCh38, chr6:52,048,598, plus strand): 5'-AGGTGGACTTGTCCGCTGTCGTCTCTGTGTCGTCACCAGGACCAGTCCAGATCCCTCTTC[T>A]GTTCCTTCAGTGGGCACAGAGCTGTGGCACGTCAGAAACAAAGTATTAACGTCTGGGTTG-3'
Protein context (NP_619639.3, residues 757-777): ITARSVPTEG[Thr767=]EEGSGLVLVT